The following is an entry in ClinVar:

ClinVar aggregate classification (germline): Benign (1 of 4 stars; one submission).

Conditions:
Cleidocranial dysostosis (CLCD1). Also called: cleidocranial dysplasia 1; Marie-Sainton disease; Cleidocranial Dysplasia Spectrum Disorder. Identifiers: Orphanet 1452, MedGen C0008928, MONDO:0007340, OMIM 119600.

Allele frequency attached by ClinVar (database versions not stated): gnomAD exomes 0.00091; gnomAD 0.00682; TOPMed 0.00811; 1000 Genomes Project 0.01018; 1000 Genomes Project 30x 0.01077.
gnomAD v4.1: 1,303 of 398,492 alleles (0.33%); highest among the groups gnomAD compares: African/African-American, 2.4%; 16 homozygotes.

Submission:

Illumina Laboratory Services, Illumina
Classification: Benign for Cleidocranial dysostosis. Last evaluated: 2018-01-13. Review status: criteria provided, single submitter. Criteria: ICSL Variant Classification Criteria 13 December 2019. Collection method: clinical testing. Allele origin: germline.
Comment: This variant was observed in the ICSL laboratory as part of a predisposition screen in an ostensibly healthy population. It had not been previously curated by ICSL or reported in the Human Gene Mutation Database (HGMD: prior to June 1st, 2018), and was therefore a candidate for classification through an automated scoring system. Utilizing variant allele frequency, disease prevalence and penetrance estimates, and inheritance mode, an automated score was calculated to assess if this variant is too frequent to cause the disease. Based on the score and internal cut-off values, a variant classified as benign is not then subjected to further curation. The score for this variant resulted in a classification of benign for this disease.

NM_001024630.4(RUNX2):c.*1919C>T

Gene: RUNX2 (RUNX family transcription factor 2; plus strand). Cytogenetic location: 6p21.1.
Variant type: single nucleotide variant.
Coding change: c.*1919C>T on transcript NM_001024630.4 (MANE Select); 1919 bases downstream of the stop codon, C replaced by T.
Molecular consequence: 3 prime UTR variant.
Genome position (GRCh38, 1-based): chr6:45,549,224, C>T. VCF-style: chr6-45549224-C-T. GRCh37 (hg19) VCF-style: chr6-45516961-C-T.
Other names: c.*1919C>T (NM_001015051.4, NM_001278478.2, NM_001369405.1).
Identifiers: ClinVar variation 357120 (VCV000357120.5), dbSNP rs6912472, ClinGen allele CA10626966.